The following is an entry in ClinVar:

NM_006017.3(PROM1):c.1767+3A>G

Gene: PROM1 (prominin 1; minus strand). Cytogenetic location: 4p15.32.
Variant type: single nucleotide variant.
Coding change: c.1767+3A>G on transcript NM_006017.3 (MANE Select); 3 bases into the intron after coding-DNA position 1767, A replaced by G.
Molecular consequence: intron variant.
Genome position (GRCh38, 1-based): chr4:15,993,984, T>C on the plus strand (A>G on the coding strand, the complement: PROM1 is on the minus strand). VCF-style: chr4-15993984-T-C. GRCh37 (hg19) VCF-style: chr4-15995607-T-C.
Other names: c.1740+3A>G (NM_001145848.2, NM_001145852.2, NM_001145847.2 and 4 more transcripts); c.1767+3A>G (NM_001145850.2, NM_001145849.2).
Identifiers: ClinVar variation 2998906 (VCV002998906.3), dbSNP rs1721691624, ClinGen allele CA1440904222.

ClinVar aggregate classification (germline): Uncertain significance (1 of 4 stars; one submission).

Allele frequency attached by ClinVar (database versions not stated): TOPMed below 0.00001.

Submission:

Labcorp Genetics (formerly Invitae), Labcorp
Classification: Uncertain significance. Last evaluated: 2023-04-30. Review status: criteria provided, single submitter. Criteria: Invitae Variant Classification Sherloc (09022015). Collection method: clinical testing. Allele origin: germline.
Comment: This variant is not present in population databases (gnomAD no frequency). This sequence change falls in intron 15 of the PROM1 gene. It does not directly change the encoded amino acid sequence of the PROM1 protein. It affects a nucleotide within the consensus splice site. This variant has not been reported in the literature in individuals affected with PROM1-related conditions. In summary, the available evidence is currently insufficient to determine the role of this variant in disease. Therefore, it has been classified as a Variant of Uncertain Significance. Variants that disrupt the consensus splice site are a relatively common cause of aberrant splicing (PMID: 17576681, 9536098). Algorithms developed to predict the effect of sequence changes on RNA splicing suggest that this variant is not likely to affect RNA splicing.

Literature cited by the submitters: PubMed 17576681; PubMed 9536098.